The following is an entry in ClinVar:

ClinVar aggregate classification (germline): Uncertain significance. Review status: criteria provided, multiple submitters, no conflicts (2 of 4 stars). 2 submissions from 2 submitters: Uncertain significance (2). Last evaluated 2026-01-04.

Conditions:
EGFR-related lung cancer (EGFR). Identifiers: MedGen CN130014.
Hereditary cancer-predisposing syndrome. Also called: Neoplastic Syndromes, Hereditary; Hereditary Cancer Syndrome; Hereditary neoplastic syndrome; Tumor predisposition. Identifiers: Orphanet 140162, MedGen C0027672, MeSH D009386, MONDO:0015356.

Allele frequency attached by ClinVar (database versions not stated): ExAC 0.00002; gnomAD 0.00001; gnomAD exomes 0.00001.
gnomAD v4.1: 16 of 1,614,070 alleles (0.00099%); highest among the groups gnomAD compares: Non-Finnish European, 0.0013%; no homozygotes.

Submissions (2):

Labcorp Genetics (formerly Invitae), Labcorp
Classification: Uncertain significance for EGFR-related lung cancer. Last evaluated: 2026-01-04. Review status: criteria provided, single submitter. Criteria: Invitae Variant Classification Sherloc (09022015). Collection method: clinical testing. Allele origin: germline.
Comment: This sequence change replaces isoleucine, which is neutral and non-polar, with methionine, which is neutral and non-polar, at codon 556 of the EGFR protein (p.Ile556Met). This variant is present in population databases (rs747203424, gnomAD 0.003%). This variant has not been reported in the literature in individuals affected with EGFR-related conditions. ClinVar contains an entry for this variant (Variation ID: 1060866). Invitae Evidence Modeling of protein sequence and biophysical properties (such as structural, functional, and spatial information, amino acid conservation, physicochemical variation, residue mobility, and thermodynamic stability) indicates that this missense variant is not expected to disrupt EGFR protein function with a negative predictive value of 80%. In summary, the available evidence is currently insufficient to determine the role of this variant in disease. Therefore, it has been classified as a Variant of Uncertain Significance.

Ambry Genetics
Classification: Uncertain significance for Hereditary cancer-predisposing syndrome. Last evaluated: 2025-09-18. Review status: criteria provided, single submitter. Criteria: Ambry Variant Classification Scheme 2023. Collection method: clinical testing. Allele origin: germline.
Comment: The p.I556M variant (also known as c.1668A>G), located in coding exon 14 of the EGFR gene, results from an A to G substitution at nucleotide position 1668. The isoleucine at codon 556 is replaced by methionine, an amino acid with highly similar properties. This amino acid position is conserved. In addition, this alteration is predicted to be tolerated by in silico analysis. Based on the available evidence, the clinical significance of this variant remains unclear.

NM_005228.5(EGFR):c.1668A>G (p.Ile556Met)

Gene: EGFR (epidermal growth factor receptor; plus strand). Cytogenetic location: 7p11.2.
Variant type: single nucleotide variant.
Coding change: c.1668A>G on transcript NM_005228.5 (MANE Select); coding-DNA position 1668, A replaced by G.
Protein change: p.Ile556Met; replaces isoleucine 556 with methionine.
Molecular consequence: missense variant.
Genome position (GRCh38, 1-based): chr7:55,163,769, A>G. VCF-style: chr7-55163769-A-G. GRCh37 (hg19) VCF-style: chr7-55231462-A-G.
Other names: c.1533A>G, p.Ile511Met (NM_001346897.2, NM_001346899.2); c.1668A>G, p.Ile556Met (NM_001346898.2, NM_201282.2, NM_201284.2); c.1509A>G, p.Ile503Met (NM_001346900.2); c.867A>G, p.Ile289Met (NM_001346941.2); c.1668A>G (NM_005228.3); short protein forms I289M, I503M, I511M, I556M.
Identifiers: ClinVar variation 1060866 (VCV001060866.11), dbSNP rs747203424, ClinGen allele CA4265654.